The following is an entry in ClinVar:

ClinVar aggregate classification (germline): Uncertain significance (1 of 4 stars; one submission).

Conditions:
Cardiovascular phenotype. Identifiers: MedGen CN230736.

Allele frequency attached by ClinVar (database versions not stated): gnomAD exomes below 0.00001; TOPMed below 0.00001; gnomAD 0.00001.
gnomAD v4.1: 3 of 1,613,648 alleles (0.00019%); highest among the groups gnomAD compares: South Asian, 0.0022%; no homozygotes.

Submission:

Ambry Genetics
Classification: Uncertain significance for Cardiovascular phenotype. Last evaluated: 2023-03-27. Review status: criteria provided, single submitter. Criteria: Ambry Variant Classification Scheme 2023. Collection method: clinical testing. Allele origin: germline.
Comment: The p.G90R variant (also known as c.268G>A), located in coding exon 2 of the AKAP9 gene, results from a G to A substitution at nucleotide position 268. The glycine at codon 90 is replaced by arginine, an amino acid with dissimilar properties. This amino acid position is conserved. In addition, this alteration is predicted to be tolerated by in silico analysis. Since supporting evidence is limited at this time, the clinical significance of this alteration remains unclear.

NM_005751.5(AKAP9):c.268G>A (p.Gly90Arg)

Gene: AKAP9 (A-kinase anchoring protein 9; plus strand). Cytogenetic location: 7q21.2.
Variant type: single nucleotide variant.
Coding change: c.268G>A on transcript NM_005751.5 (MANE Select); coding-DNA position 268, G replaced by A.
Protein change: p.Gly90Arg; replaces glycine 90 with arginine.
Molecular consequence: missense variant.
Genome position (GRCh38, 1-based): chr7:91,973,930, G>A. VCF-style: chr7-91973930-G-A. GRCh37 (hg19) VCF-style: chr7-91603244-G-A.
Other names: c.268G>A, p.Gly90Arg (NM_147185.3); short protein forms G90R.
Identifiers: ClinVar variation 2564454 (VCV002564454.2), dbSNP rs1795371147, ClinGen allele CA368118833.